The following is an entry in ClinVar:

ClinVar aggregate classification (germline): Uncertain significance. Review status: criteria provided, multiple submitters, no conflicts (2 of 4 stars). 2 submissions from 2 submitters: Uncertain significance (2). Last evaluated 2022-10-19.

Submissions (2):

Labcorp Genetics (formerly Invitae), Labcorp
Classification: Uncertain significance. Last evaluated: 2022-10-19. Review status: criteria provided, single submitter. Criteria: Invitae Variant Classification Sherloc (09022015). Collection method: clinical testing. Allele origin: germline.
Comment: This sequence change replaces histidine, which is basic and polar, with glutamine, which is neutral and polar, at codon 454 of the RIMS1 protein (p.His454Gln). This variant is not present in population databases (gnomAD no frequency). This variant has not been reported in the literature in individuals affected with RIMS1-related conditions. Algorithms developed to predict the effect of missense changes on protein structure and function (SIFT, PolyPhen-2, Align-GVGD) all suggest that this variant is likely to be tolerated. In summary, the available evidence is currently insufficient to determine the role of this variant in disease. Therefore, it has been classified as a Variant of Uncertain Significance.

Blueprint Genetics
Classification: Uncertain significance. Last evaluated: 2018-04-19. Review status: criteria provided, single submitter. Criteria: ACMG Guidelines, 2015. Collection method: clinical testing. Allele origin: germline.

NM_014989.7(RIMS1):c.1362T>G (p.His454Gln)

Gene: RIMS1 (regulating synaptic membrane exocytosis 1; plus strand). Cytogenetic location: 6q13.
Variant type: single nucleotide variant.
Coding change: c.1362T>G on transcript NM_014989.7 (MANE Select); coding-DNA position 1362, T replaced by G.
Protein change: p.His454Gln; replaces histidine 454 with glutamine.
Molecular consequence: missense variant.
Genome position (GRCh38, 1-based): chr6:72,182,833, T>G. VCF-style: chr6-72182833-T-G. GRCh37 (hg19) VCF-style: chr6-72892536-T-G.
Other names: short protein forms H454Q.
Identifiers: ClinVar variation 2097876 (VCV002097876.5), dbSNP rs758749274, ClinGen allele CA364821028.